The following is an entry in ClinVar:

ClinVar aggregate classification (germline): Uncertain significance (1 of 4 stars; one submission).

Conditions:
Hereditary cancer-predisposing syndrome. Also called: Neoplastic Syndromes, Hereditary; Tumor predisposition; Hereditary neoplastic syndrome; Hereditary Cancer Syndrome. Identifiers: Orphanet 140162, MedGen C0027672, MeSH D009386, MONDO:0015356.

Submission:

Ambry Genetics
Classification: Uncertain significance for Hereditary cancer-predisposing syndrome. Last evaluated: 2026-07-11. Review status: criteria provided, single submitter. Criteria: Ambry Variant Classification Scheme 2023. Collection method: clinical testing. Allele origin: germline.
Comment: The p.L244V variant (also known as c.730C>G), located in coding exon 6 of the POT1 gene, results from a C to G substitution at nucleotide position 730. The leucine at codon 244 is replaced by valine, an amino acid with highly similar properties. This amino acid position is conserved. In addition, this alteration is predicted to be tolerated by in silico analysis. Based on the available evidence, the clinical significance of this variant remains unclear.

NM_015450.3(POT1):c.730C>G (p.Leu244Val)

Gene: POT1 (protection of telomeres 1; minus strand). Cytogenetic location: 7q31.33.
Variant type: single nucleotide variant.
Coding change: c.730C>G on transcript NM_015450.3 (MANE Select); coding-DNA position 730, C replaced by G.
Protein change: p.Leu244Val; replaces leucine 244 with valine.
Molecular consequence: missense variant. On other transcripts: non-coding transcript variant (3).
Genome position (GRCh38, 1-based): chr7:124,853,111, G>C on the plus strand (C>G on the coding strand, the complement: POT1 is on the minus strand). VCF-style: chr7-124853111-G-C. GRCh37 (hg19) VCF-style: chr7-124493165-G-C.
Other names: c.337C>G, p.Leu113Val (NM_001042594.2); short protein forms L113V, L244V.
Identifiers: ClinVar variation 5027177 (VCV005027177.1).
Genomic context (GRCh38, chr7:124,853,111, plus strand): 5'-GAAACTCTAAACTTAACATTGTCTGATTCTCTGAATTCATTGATTGAAGTTTGGTATGAA[G>C]GCTATAGATTCTAAGAAAGCTTCCAACCTAAAAAATAGATCATTTGTTATTTAGAAAGTG-3'
Protein context (NP_056265.2, residues 234-254): KVGSFLRIYS[Leu244Val]HTKLQSMNSE